The following is an entry in ClinVar:

NM_031935.3(HMCN1):c.9935C>A (p.Ser3312Tyr)

Gene: HMCN1 (hemicentin 1; plus strand). Cytogenetic location: 1q31.1.
Variant type: single nucleotide variant.
Coding change: c.9935C>A on transcript NM_031935.3 (MANE Select); coding-DNA position 9935, C replaced by A.
Protein change: p.Ser3312Tyr; replaces serine 3312 with tyrosine.
Molecular consequence: missense variant.
Genome position (GRCh38, 1-based): chr1:186,093,181, C>A. VCF-style: chr1-186093181-C-A. GRCh37 (hg19) VCF-style: chr1-186062313-C-A.
Other names: short protein forms S3312Y.
Identifiers: ClinVar variation 1941782 (VCV001941782.5), dbSNP rs762096497, ClinGen allele CA1293593.

ClinVar aggregate classification (germline): Uncertain significance (1 of 4 stars; one submission).

Allele frequency attached by ClinVar (database versions not stated): gnomAD exomes below 0.00001; TOPMed below 0.00001; ExAC 0.00002; gnomAD 0.00002.
gnomAD v4.1: 10 of 1,613,224 alleles (0.00062%); highest among the groups gnomAD compares: Admixed American, 0.0017%; no homozygotes.

Submission:

Labcorp Genetics (formerly Invitae), Labcorp
Classification: Uncertain significance. Last evaluated: 2025-08-19. Review status: criteria provided, single submitter. Criteria: Invitae Variant Classification Sherloc (09022015). Collection method: clinical testing. Allele origin: germline.
Comment: This sequence change replaces serine, which is neutral and polar, with tyrosine, which is neutral and polar, at codon 3312 of the HMCN1 protein (p.Ser3312Tyr). This variant is present in population databases (rs762096497, gnomAD 0.003%). This variant has not been reported in the literature in individuals affected with HMCN1-related conditions. ClinVar contains an entry for this variant (Variation ID: 1941782). An algorithm developed to predict the effect of missense changes on protein structure and function (PolyPhen-2) suggests that this variant is likely to be disruptive. In summary, the available evidence is currently insufficient to determine the role of this variant in disease. Therefore, it has been classified as a Variant of Uncertain Significance.